The following is an entry in ClinVar:

NM_025114.4(CEP290):c.5969A>G (p.Lys1990Arg)

Gene: CEP290 (centrosomal protein 290; minus strand). Cytogenetic location: 12q21.32.
Variant type: single nucleotide variant.
Coding change: c.5969A>G on transcript NM_025114.4 (MANE Select); coding-DNA position 5969, A replaced by G.
Protein change: p.Lys1990Arg; replaces lysine 1990 with arginine.
Molecular consequence: missense variant.
Genome position (GRCh38, 1-based): chr12:88,071,336, T>C on the plus strand (A>G on the coding strand, the complement: CEP290 is on the minus strand). VCF-style: chr12-88071336-T-C. GRCh37 (hg19) VCF-style: chr12-88465113-T-C.
Other names: short protein forms K1990R.
Identifiers: ClinVar variation 2055312 (VCV002055312.1), dbSNP rs1373775602, ClinGen allele CA385983425.
Genomic context (GRCh38, chr12:88,071,336, plus strand): 5'-TTCCACATAATAGCTTACCTCATATACAATATATCATTTTCTAAGTCAAGATTTCTCTTT[T>C]TTAATTCTTCCAATTCTTTTTCTGACTCCAAAGCTCGTATTCCCAAAACCTGATCAACAG-3'
Protein context (NP_079390.3, residues 1980-2000): LESEKELEEL[Lys1990Arg]KRNLDLENDI

ClinVar aggregate classification (germline): Uncertain significance (1 of 4 stars; one submission).

Conditions:
Joubert syndrome. Also called: CEREBELLOPARENCHYMAL DISORDER IV; JOUBERT-BOLTSHAUSER SYNDROME; Familial aplasia of the vermis. Identifiers: Orphanet 475, MedGen C5979921, MONDO:0018772.
Nephronophthisis. Also called: Juvenile Nephronophthisis. Identifiers: Orphanet 655, MedGen C0687120, MONDO:0019005, HP:0000090.
Meckel-Gruber syndrome. Also called: DYSENCEPHALIA SPLANCHNOCYSTICA; GRUBER SYNDROME; Dysencephalia splachnocystica. Identifiers: Orphanet 564, MedGen C0265215, MONDO:0018921.

Allele frequency attached by ClinVar (database versions not stated): TOPMed below 0.00001.

Submission:

Labcorp Genetics (formerly Invitae), Labcorp
Classification: Uncertain significance for Joubert syndrome; Meckel-Gruber syndrome; Nephronophthisis. Last evaluated: 2022-10-17. Review status: criteria provided, single submitter. Criteria: Invitae Variant Classification Sherloc (09022015). Collection method: clinical testing. Allele origin: germline.
Comment: This sequence change replaces lysine, which is basic and polar, with arginine, which is basic and polar, at codon 1990 of the CEP290 protein (p.Lys1990Arg). This variant is not present in population databases (gnomAD no frequency). This variant has not been reported in the literature in individuals affected with CEP290-related conditions. Advanced modeling of protein sequence and biophysical properties (such as structural, functional, and spatial information, amino acid conservation, physicochemical variation, residue mobility, and thermodynamic stability) performed at Invitae indicates that this missense variant is not expected to disrupt CEP290 protein function. In summary, the available evidence is currently insufficient to determine the role of this variant in disease. Therefore, it has been classified as a Variant of Uncertain Significance.